The following is an entry in ClinVar:

NM_021930.6(RINT1):c.871C>T (p.Pro291Ser)

Gene: RINT1 (RAD50 interactor 1; plus strand). Cytogenetic location: 7q22.3.
Variant type: single nucleotide variant.
Coding change: c.871C>T on transcript NM_021930.6 (MANE Select); coding-DNA position 871, C replaced by T.
Protein change: p.Pro291Ser; replaces proline 291 with serine.
Molecular consequence: missense variant. On other transcripts: 5 prime UTR variant (2), non-coding transcript variant (1), intron variant (1).
Genome position (GRCh38, 1-based): chr7:105,548,585, C>T. VCF-style: chr7-105548585-C-T. GRCh37 (hg19) VCF-style: chr7-105189032-C-T.
Other names: c.637C>T, p.Pro213Ser (NM_001346599.2); c.-149C>T (NM_001346600.2); c.-54C>T (NM_001346601.2); c.-27-1470C>T (NM_001346603.2); short protein forms P291S, P213S.
Identifiers: ClinVar variation 943123 (VCV000943123.11), dbSNP rs769020544, ClinGen allele CA4426555.
Genomic context (GRCh38, chr7:105,548,585, plus strand): 5'-ATTCTTTTTCCTTGACTTGATTATGTCAGAGATGAATTACTTACTGAGCCAAAGCAACTC[C>T]CAGAAAAATACTCTCTTCCTGCCTCCCCTTCTGTCATCCTGCCCATCCAGGTTATGCTGA-3'
Protein context (NP_068749.3, residues 281-301): DELLTEPKQL[Pro291Ser]EKYSLPASPS

ClinVar aggregate classification (germline): Uncertain significance. Review status: criteria provided, multiple submitters, no conflicts (2 of 4 stars). 2 submissions from 2 submitters: Uncertain significance (2). Last evaluated 2024-06-11.

Allele frequency attached by ClinVar (database versions not stated): ExAC 0.00001; gnomAD exomes 0.00001; gnomAD 0.00005; TOPMed 0.00005.

Submissions (2):

Ambry Genetics
Classification: Uncertain significance. Last evaluated: 2024-06-11. Review status: criteria provided, single submitter. Criteria: Ambry Variant Classification Scheme 2023. Collection method: clinical testing. Allele origin: germline.

Labcorp Genetics (formerly Invitae), Labcorp
Classification: Uncertain significance. Last evaluated: 2021-09-07. Review status: criteria provided, single submitter. Criteria: Invitae Variant Classification Sherloc (09022015). Collection method: clinical testing. Allele origin: germline.
Comment: This variant has not been reported in the literature in individuals affected with RINT1-related conditions. This sequence change replaces proline with serine at codon 291 of the RINT1 protein (p.Pro291Ser). The proline residue is highly conserved and there is a moderate physicochemical difference between proline and serine. This variant is present in population databases (rs769020544, ExAC 0.01%). Algorithms developed to predict the effect of missense changes on protein structure and function output the following: SIFT: "Tolerated"; PolyPhen-2: "Benign"; Align-GVGD: "Class C0". The serine amino acid residue is found in multiple mammalian species, which suggests that this missense change does not adversely affect protein function. In summary, the available evidence is currently insufficient to determine the role of this variant in disease. Therefore, it has been classified as a Variant of Uncertain Significance.